The following is an entry in ClinVar:

ClinVar aggregate classification (germline): Benign/Likely benign. Review status: criteria provided, multiple submitters, no conflicts (2 of 4 stars). 8 submissions from 8 submitters: Benign (4); Likely benign (2). 2 of the submissions do not count toward it. Last evaluated 2026-09-01.

Conditions:
MRPS22-related disorder. Also called: MRPS22-related condition.
Hypotonia with lactic acidemia and hyperammonemia. Identifiers: Orphanet 137908, MedGen C2673642, MONDO:0012718, OMIM 611719.

Allele frequency attached by ClinVar (database versions not stated): 1000 Genomes Project 0.00599; 1000 Genomes Project 30x 0.00625; ExAC 0.00738; gnomAD 0.00739 and 0.00758; gnomAD exomes 0.00785 and 0.00884; TOPMed 0.00850; ESP Exome Variant Server 0.00915.
gnomAD v4.1: 14,092 of 1,614,124 alleles (0.87%); highest among the groups gnomAD compares: Middle Eastern, 1.3%; 94 homozygotes.

Submissions (8):

CeGaT Center for Human Genetics Tuebingen
Classification: Benign. Last evaluated: 2026-09-01. Review status: criteria provided, single submitter. Criteria: CeGaT Center For Human Genetics Tuebingen Variant Classification Criteria Version 2. Collection method: clinical testing. Allele origin: germline. Affected: yes. Observed: 31 variant alleles.
Comment: MRPS22: BP4, BP7, BS1, BS2

Labcorp Genetics (formerly Invitae), Labcorp
Classification: Benign. Last evaluated: 2026-01-25. Review status: criteria provided, single submitter. Criteria: Invitae Variant Classification Sherloc (09022015). Collection method: clinical testing. Allele origin: germline.

ARUP Laboratories, Molecular Genetics and Genomics, ARUP Laboratories
Classification: Benign. Last evaluated: 2023-10-19. Review status: criteria provided, single submitter. Criteria: ARUP Molecular Germline Variant Investigation Process 2024. Collection method: clinical testing. Allele origin: germline.

Illumina Laboratory Services, Illumina
Classification: Likely benign for Hypotonia with lactic acidemia and hyperammonemia. Last evaluated: 2018-01-13. Review status: criteria provided, single submitter. Criteria: ICSL Variant Classification Criteria 13 December 2019. Collection method: clinical testing. Allele origin: germline.
Comment: This variant was observed in the ICSL laboratory as part of a predisposition screen in an ostensibly healthy population. It had not been previously curated by ICSL or reported in the Human Gene Mutation Database (HGMD: prior to June 1st, 2018), and was therefore a candidate for classification through an automated scoring system. Utilizing variant allele frequency, disease prevalence and penetrance estimates, and inheritance mode, an automated score was calculated to assess if this variant is too frequent to cause the disease. Based on the score and internal cut-off values, a variant classified as likely benign is not then subjected to further curation. The score for this variant resulted in a classification of likely benign for this disease.

GeneDx
Classification: Benign. Last evaluated: 2013-12-19. Review status: criteria provided, single submitter. Criteria: GeneDx Variant Classification (06012015). Collection method: clinical testing. Allele origin: germline. Affected: yes.
Comment: This variant is considered likely benign or benign based on one or more of the following criteria: it is a conservative change, it occurs at a poorly conserved position in the protein, it is predicted to be benign by multiple in silico algorithms, and/or has population frequency not consistent with disease.

Breakthrough Genomics
Classification: Likely benign. Review status: criteria provided, single submitter. Criteria: ACMG Guidelines, 2015. Collection method: not provided. Allele origin: germline. Inheritance: Autosomal recessive inheritance. Affected: yes.

PreventionGenetics, part of Exact Sciences
Classification: Benign for MRPS22-related condition. Last evaluated: 2020-03-20. Review status: no assertion criteria provided. Collection method: clinical testing. Allele origin: germline. Not counted in ClinVar's aggregate classification.
Comment: This variant is classified as benign based on ACMG/AMP sequence variant interpretation guidelines (Richards et al. 2015 PMID: 25741868, with internal and published modifications).

Mayo Clinic Laboratories, Mayo Clinic
Classification: Likely benign. Last evaluated: 2016-03-14. Review status: no assertion criteria provided. Collection method: clinical testing. Allele origin: unknown. Not counted in ClinVar's aggregate classification.

NM_020191.4(MRPS22):c.201A>G (p.Lys67=)

Gene: MRPS22 (mitochondrial ribosomal protein S22; plus strand). Cytogenetic location: 3q23.
Variant type: single nucleotide variant.
Coding change: c.201A>G on transcript NM_020191.4 (MANE Select); coding-DNA position 201, A replaced by G.
Protein change: p.Lys67=; no amino-acid change (lysine 67 retained).
Molecular consequence: synonymous variant.
Genome position (GRCh38, 1-based): chr3:139,346,906, A>G. VCF-style: chr3-139346906-A-G. GRCh37 (hg19) VCF-style: chr3-139065748-A-G.
Other names: p.K67K:AAA>AAG; c.78A>G, p.Lys26= (NM_001363857.1); c.198A>G, p.Lys66= (NM_001363893.1).
Identifiers: ClinVar variation 138250 (VCV000138250.52), dbSNP rs11556243, ClinGen allele CA292139.
Genomic context (GRCh38, chr3:139,346,906, plus strand): 5'-GTCAGCTTCTTATTTACTAAAGTCCATTTTAGCAGAATCTGGTAGCCCAGAGACCAAGAA[A>G]CCTACATTTATGGATGAGGAAGTTCAAAGCATACTCACGAAAATGACAGGCTTGAACTTG-3'
Protein context (NP_064576.1, residues 57-77): AAESGSPETK[Lys67=]PTFMDEEVQS